The following is an entry in ClinVar:

NM_000097.7(CPOX):c.638A>G (p.Asn213Ser)

Gene: CPOX (coproporphyrinogen oxidase; minus strand). Cytogenetic location: 3q11.2.
Variant type: single nucleotide variant.
Coding change: c.638A>G on transcript NM_000097.7 (MANE Select); coding-DNA position 638, A replaced by G.
Protein change: p.Asn213Ser; replaces asparagine 213 with serine.
Molecular consequence: missense variant.
Genome position (GRCh38, 1-based): chr3:98,591,074, T>C on the plus strand (A>G on the coding strand, the complement: CPOX is on the minus strand). VCF-style: chr3-98591074-T-C. GRCh37 (hg19) VCF-style: chr3-98309918-T-C.
Other names: short protein forms N213S.
Identifiers: ClinVar variation 3000091 (VCV003000091.3), dbSNP rs2472116644, ClinGen allele CA353646028.

ClinVar aggregate classification (germline): Uncertain significance (1 of 4 stars; one submission).

Allele frequency attached by ClinVar (database versions not stated): gnomAD exomes below 0.00001.
gnomAD v4.1: 3 of 1,614,164 alleles (0.00019%); highest among the groups gnomAD compares: Non-Finnish European, 0.00025%; no homozygotes.

Submission:

Labcorp Genetics (formerly Invitae), Labcorp
Classification: Uncertain significance. Last evaluated: 2023-04-30. Review status: criteria provided, single submitter. Criteria: Invitae Variant Classification Sherloc (09022015). Collection method: clinical testing. Allele origin: germline.
Comment: Advanced modeling of protein sequence and biophysical properties (such as structural, functional, and spatial information, amino acid conservation, physicochemical variation, residue mobility, and thermodynamic stability) performed at Invitae indicates that this missense variant is not expected to disrupt CPOX protein function. In summary, the available evidence is currently insufficient to determine the role of this variant in disease. Therefore, it has been classified as a Variant of Uncertain Significance. This variant has not been reported in the literature in individuals affected with CPOX-related conditions. This variant is not present in population databases (gnomAD no frequency). This sequence change replaces asparagine, which is neutral and polar, with serine, which is neutral and polar, at codon 213 of the CPOX protein (p.Asn213Ser).